The following is an entry in ClinVar:

NC_000017.11:g.(?_65536314)_(65536559_?)del

Gene: AXIN2 (axin 2; minus strand). Cytogenetic location: 17q24.1.
Variant type: Deletion.
Identifiers: ClinVar variation 584012 (VCV000584012.3).

ClinVar aggregate classification (germline): Pathogenic (1 of 4 stars; one submission).

Conditions:
Oligodontia-cancer predisposition syndrome. Also called: TOOTH AGENESIS-COLORECTAL CANCER SYNDROME. Identifiers: Orphanet 300576, MedGen C1837750, MONDO:0012075, OMIM 608615. Disease mechanism: loss of function.

Submission:

Labcorp Genetics (formerly Invitae), Labcorp
Classification: Pathogenic for Oligodontia-cancer predisposition syndrome. Last evaluated: 2018-03-06. Review status: criteria provided, single submitter. Criteria: Invitae Variant Classification Sherloc (09022015). Collection method: clinical testing. Allele origin: germline.
Comment: This variant is a gross deletion of the genomic region encompassing part of exon 8 of the AXIN2 gene including the intron 7-exon 8 boundary (c.1908-84_2137del). This is expected to create a premature translational stop signal and result in an absent or disrupted protein product. This variant has not been reported in the literature in individuals with AXIN2-related disease. Loss-of-function variants in AXIN2 are known to be pathogenic (PMID: 15042511, 21416598). For these reasons, this variant has been classified as Pathogenic.

Literature cited by the submitters: PubMed 15042511; PubMed 21416598.